The following is an entry in ClinVar:

NM_002235.5(KCNA6):c.1493A>G (p.Lys498Arg)

Genes: KCNA6 (potassium voltage-gated channel subfamily A member 6; plus strand), KCNA6-AS1 (KCNA6 antisense RNA 1; minus strand). Cytogenetic location: 12p13.32.
Variant type: single nucleotide variant.
Coding change: c.1493A>G on transcript NM_002235.5 (MANE Select); coding-DNA position 1493, A replaced by G.
Protein change: p.Lys498Arg; replaces lysine 498 with arginine.
Molecular consequence: missense variant. On other transcripts: non-coding transcript variant (3).
Genome position (GRCh38, 1-based): chr12:4,811,534, A>G. VCF-style: chr12-4811534-A-G. GRCh37 (hg19) VCF-style: chr12-4920700-A-G.
Other names: short protein forms K498R.
Identifiers: ClinVar variation 4538645 (VCV004538645.1).
Genomic context (GRCh38, chr12:4,811,534, plus strand): 5'-CCCACGTCACTTGTGGGCAGCCTGCGCCGGACCTGAGGGCAACTGACAACGGACTTGGCA[A>G]GCCTGACTTCCCCGAGGCTAACCGGGAACGGAGACCCAGCTACCTTCCTACACCACATCG-3'
Protein context (NP_002226.1, residues 488-508): DLRATDNGLG[Lys498Arg]PDFPEANRER

ClinVar aggregate classification (germline): Uncertain significance (1 of 4 stars; one submission).

Submission:

GeneDx
Classification: Uncertain significance. Last evaluated: 2025-06-11. Review status: criteria provided, single submitter. Criteria: GeneDx Variant Classification Process June 2021. Collection method: clinical testing. Allele origin: germline. Affected: yes.
Comment: Not observed at significant frequency in large population cohorts (gnomAD); In silico analysis suggests that this missense variant does not alter protein structure/function; Has not been previously published as pathogenic or benign to our knowledge